The following is an entry in ClinVar:

NM_153717.3(EVC):c.1060G>A (p.Glu354Lys)

Gene: EVC (EvC ciliary complex subunit 1; plus strand). Cytogenetic location: 4p16.2.
Variant type: single nucleotide variant.
Coding change: c.1060G>A on transcript NM_153717.3 (MANE Select); coding-DNA position 1060, G replaced by A.
Protein change: p.Glu354Lys; replaces glutamic acid 354 with lysine.
Molecular consequence: missense variant.
Genome position (GRCh38, 1-based): chr4:5,748,268, G>A. VCF-style: chr4-5748268-G-A. GRCh37 (hg19) VCF-style: chr4-5749995-G-A.
Other names: c.1060G>A, p.Glu354Lys (NM_001306090.2, NM_001306092.2); c.1060G>A (NM_153717.2); short protein forms E354K.
Identifiers: ClinVar variation 2141639 (VCV002141639.2), dbSNP rs779915989, ClinGen allele CA2835972.

ClinVar aggregate classification (germline): Uncertain significance. Review status: criteria provided, multiple submitters, no conflicts (2 of 4 stars). 2 submissions from 2 submitters: Uncertain significance (2). Last evaluated 2025-12-02.

Conditions:
Inborn genetic diseases. Identifiers: MedGen C0950123, MeSH D030342.
Curry-Hall syndrome (WAD). Also called: WEYERS ACRODENTAL DYSOSTOSIS. Identifiers: Orphanet 952, MedGen C0457013, MONDO:0008673, OMIM 193530.
Ellis-van Creveld syndrome (EVC). Also called: MESOECTODERMAL DYSPLASIA; EVC-Related Ellis-van Creveld Syndrome; EVC2-Related Ellis-van Creveld Syndrome; Chondroectodermal dysplasia. Identifiers: Orphanet 289, MedGen C0013903, MONDO:0009162, OMIM 225500.

Submissions (2):

Ambry Genetics
Classification: Uncertain significance for Inborn genetic diseases. Last evaluated: 2025-12-02. Review status: criteria provided, single submitter. Criteria: Ambry Variant Classification Scheme 2023. Collection method: clinical testing. Allele origin: germline.

Labcorp Genetics (formerly Invitae), Labcorp
Classification: Uncertain significance for Curry-Hall syndrome; Ellis-van Creveld syndrome. Last evaluated: 2022-06-05. Review status: criteria provided, single submitter. Criteria: Invitae Variant Classification Sherloc (09022015). Collection method: clinical testing. Allele origin: germline.
Comment: This sequence change replaces glutamic acid, which is acidic and polar, with lysine, which is basic and polar, at codon 354 of the EVC protein (p.Glu354Lys). This variant is present in population databases (rs779915989, gnomAD 0.02%). This variant has not been reported in the literature in individuals affected with EVC-related conditions. Algorithms developed to predict the effect of missense changes on protein structure and function are either unavailable or do not agree on the potential impact of this missense change (SIFT: "Deleterious"; PolyPhen-2: "Probably Damaging"; Align-GVGD: "Class C0"). In summary, the available evidence is currently insufficient to determine the role of this variant in disease. Therefore, it has been classified as a Variant of Uncertain Significance.